The following is an entry in ClinVar:

ClinVar aggregate classification (germline): Likely benign. Review status: criteria provided, multiple submitters, no conflicts (2 of 4 stars). 3 submissions from 3 submitters: Likely benign (2). 1 of the submissions does not count toward it. Last evaluated 2025-11-27.

Conditions:
WDR81-related disorder. Also called: WDR81-related condition.

Allele frequency attached by ClinVar (database versions not stated): TOPMed 0.00022; gnomAD exomes 0.00037 and 0.00052; gnomAD 0.00026; ExAC 0.00053.

Submissions (3):

Mayo Clinic Laboratories, Mayo Clinic
Classification: Likely benign. Last evaluated: 2025-11-27. Review status: criteria provided, single submitter. Criteria: ACMG Guidelines, 2015. Collection method: clinical testing. Allele origin: germline. Observed: 1 variant allele.
Comment: BS1, BP4, BP7

Labcorp Genetics (formerly Invitae), Labcorp
Classification: Likely benign. Last evaluated: 2019-12-31. Review status: criteria provided, single submitter. Criteria: Invitae Variant Classification Sherloc (09022015). Collection method: clinical testing. Allele origin: germline.

PreventionGenetics, part of Exact Sciences
Classification: Likely benign for WDR81-related condition. Last evaluated: 2021-04-27. Review status: no assertion criteria provided. Collection method: clinical testing. Allele origin: germline. Not counted in ClinVar's aggregate classification.
Comment: This variant is classified as likely benign based on ACMG/AMP sequence variant interpretation guidelines (Richards et al. 2015 PMID: 25741868, with internal and published modifications).

NM_001163809.2(WDR81):c.2697C>T (p.Arg899=)

Gene: WDR81 (WD repeat domain 81; plus strand). Cytogenetic location: 17p13.3.
Variant type: single nucleotide variant.
Coding change: c.2697C>T on transcript NM_001163809.2 (MANE Select); coding-DNA position 2697, C replaced by T.
Protein change: p.Arg899=; no amino-acid change (arginine 899 retained).
Molecular consequence: synonymous variant. On other transcripts: intron variant (3).
Genome position (GRCh38, 1-based): chr17:1,727,656, C>T. VCF-style: chr17-1727656-C-T. GRCh37 (hg19) VCF-style: chr17-1630950-C-T.
Other names: p.Arg899=; c.-123-334C>T (NM_152348.4); c.59-2724C>T (NM_001163673.2); c.-14-2724C>T (NM_001163811.2).
Identifiers: ClinVar variation 718361 (VCV000718361.7), dbSNP rs772414945, ClinGen allele CA8273135.